The following is an entry in ClinVar:

ClinVar aggregate classification (germline): Uncertain significance (1 of 4 stars; one submission).

Allele frequency attached by ClinVar (database versions not stated): gnomAD exomes 0.00002 and 0.00003; ExAC 0.00003; gnomAD 0.00003 and 0.00004; TOPMed 0.00004.
gnomAD v4.1: 29 of 1,613,924 alleles (0.0018%); highest among the groups gnomAD compares: African/African-American, 0.004%; no homozygotes.

Submission:

Labcorp Genetics (formerly Invitae), Labcorp
Classification: Uncertain significance. Last evaluated: 2025-09-17. Review status: criteria provided, single submitter. Criteria: Invitae Variant Classification Sherloc (09022015). Collection method: clinical testing. Allele origin: germline.
Comment: This sequence change replaces threonine, which is neutral and polar, with methionine, which is neutral and non-polar, at codon 29 of the STX3 protein (p.Thr29Met). This variant is present in population databases (rs761517642, gnomAD 0.01%). This variant has not been reported in the literature in individuals affected with STX3-related conditions. ClinVar contains an entry for this variant (Variation ID: 1504001). An algorithm developed to predict the effect of missense changes on protein structure and function (PolyPhen-2) suggests that this variant is likely to be disruptive. In summary, the available evidence is currently insufficient to determine the role of this variant in disease. Therefore, it has been classified as a Variant of Uncertain Significance.

NM_004177.5(STX3):c.86C>T (p.Thr29Met)

Gene: STX3 (syntaxin 3; plus strand). Cytogenetic location: 11q12.1.
Variant type: single nucleotide variant.
Coding change: c.86C>T on transcript NM_004177.5 (MANE Select); coding-DNA position 86, C replaced by T.
Protein change: p.Thr29Met; replaces threonine 29 with methionine.
Molecular consequence: missense variant.
Genome position (GRCh38, 1-based): chr11:59,773,266, C>T. VCF-style: chr11-59773266-C-T. GRCh37 (hg19) VCF-style: chr11-59540739-C-T.
Other names: c.86C>T, p.Thr29Met (NM_001178040.3); short protein forms T29M.
Identifiers: ClinVar variation 1504001 (VCV001504001.4), dbSNP rs761517642, ClinGen allele CA6020730.